The following is an entry in ClinVar:

ClinVar aggregate classification (germline): Uncertain significance (1 of 4 stars; one submission).

Conditions:
Polycystic kidney disease, adult type (PKD1). Also called: Polycystic Kidney Disease 1, Autosomal Dominant; Polycystic kidney disease 1; Polycystic kidney disease 1, severe; Polycystic Kidney, Autosomal Dominant; POLYCYSTIC KIDNEY DISEASE 1 WITH OR WITHOUT POLYCYSTIC LIVER DISEASE; POLYCYSTIC KIDNEY DISEASE, ADULT, TYPE I. Identifiers: MedGen C3149841, MONDO:0008263, OMIM 173900.

Submission:

MVZ Medizinische Genetik Mainz
Classification: Uncertain significance for Polycystic kidney disease, adult type. Last evaluated: 2024-02-07. Review status: criteria provided, single submitter. Criteria: UK Practice Guidelines For Variant Classification V4 01 2020. Collection method: clinical testing. Allele origin: germline. Inheritance: Autosomal dominant inheritance. Affected: yes. Observed: 1 variant allele.
Comment: ACMG Criteria: PM2_SUP,PP3,PP4

NM_001009944.3(PKD1):c.4493A>G (p.Tyr1498Cys)

Gene: PKD1 (polycystin 1, transient receptor potential channel interacting; minus strand). Cytogenetic location: 16p13.3.
Variant type: single nucleotide variant.
Coding change: c.4493A>G on transcript NM_001009944.3 (MANE Select); coding-DNA position 4493, A replaced by G.
Protein change: p.Tyr1498Cys; replaces tyrosine 1498 with cysteine.
Molecular consequence: missense variant.
Genome position (GRCh38, 1-based): chr16:2,110,674, T>C on the plus strand (A>G on the coding strand, the complement: PKD1 is on the minus strand). VCF-style: chr16-2110674-T-C. GRCh37 (hg19) VCF-style: chr16-2160675-T-C.
Other names: c.4493A>G, p.Tyr1498Cys (NM_000296.4); short protein forms Y1498C.
Identifiers: ClinVar variation 3236136 (VCV003236136.1), dbSNP rs2544821178, ClinGen allele CA394379851.
Genomic context (GRCh38, chr16:2,110,674, plus strand): 5'-TTGTAAGCGTGGGTGACCTCCGGACCCTCGAGCCACCCACCGTCCCCCAGATCCCACAGG[T>C]AGCTGGCGGGGCGCCCACGGCCCACAGCAGAGAACAGGTACGGCTGCTGCAGCTCCAGCC-3'
Protein context (NP_001009944.3, residues 1488-1508): SAVGRGRPAS[Tyr1498Cys]LWDLGDGGWL